The following is an entry in ClinVar:

ClinVar aggregate classification (germline): Uncertain significance. Review status: criteria provided, multiple submitters, no conflicts (2 of 4 stars). 9 submissions from 8 submitters: Uncertain significance (8). 1 of the submissions does not count toward it. Last evaluated 2026-03-23.

Conditions:
Schwartz-Jampel syndrome. Also called: Myotonic myopathy dwarfism chondrodystrophy and ocular and facial abnormalities. Identifiers: Orphanet 800, MedGen C0036391, MONDO:0009717.
Lethal Kniest-like syndrome (DDSH). Also called: Dyssegmental Dysplasia. Identifiers: Orphanet 1865, MedGen C1857100, MONDO:0009140, OMIM 224410.
HSPG2-related disorder. Also called: HSPG2-related disorders; HSPG2-related condition.

Allele frequency attached by ClinVar (database versions not stated): gnomAD 0.00025 and 0.00024; ExAC 0.00017; TOPMed 0.00020; gnomAD exomes 0.00024; ESP Exome Variant Server 0.00038.
gnomAD v4.1: 705 of 1,613,880 alleles (0.044%); highest among the groups gnomAD compares: Non-Finnish European, 0.057%; no homozygotes.

Submissions (9):

GeneDx
Classification: Uncertain significance. Last evaluated: 2026-03-23. Review status: criteria provided, single submitter. Criteria: GeneDx Variant Classification Process June 2021. Collection method: clinical testing. Allele origin: germline.
Comment: In silico analysis suggests that this missense variant does not alter protein structure/function; Reported in an individual with a clinical diagnosis of Ehlers-Danlos syndrome with a history of intracranial aneurysm and family history of intracranial aneurysm; no second variant in HSPG2 was reported and this individual had additional variants in other genes (PMID: 37813462); This variant is associated with the following publications: (PMID: 38256266, 37813462)

Blueprint Genetics
Classification: Uncertain significance. Last evaluated: 2024-10-11. Review status: criteria provided, single submitter. Criteria: ACMG Guidelines, 2015. Collection method: clinical testing. Allele origin: germline.

Labcorp Genetics (formerly Invitae), Labcorp
Classification: Uncertain significance. Last evaluated: 2022-10-13. Review status: criteria provided, single submitter. Criteria: Invitae Variant Classification Sherloc (09022015). Collection method: clinical testing. Allele origin: germline.
Comment: This sequence change replaces arginine, which is basic and polar, with histidine, which is basic and polar, at codon 878 of the HSPG2 protein (p.Arg878His). This variant is present in population databases (rs149479865, gnomAD 0.04%). This variant has not been reported in the literature in individuals affected with HSPG2-related conditions. ClinVar contains an entry for this variant (Variation ID: 875716). Algorithms developed to predict the effect of missense changes on protein structure and function are either unavailable or do not agree on the potential impact of this missense change (SIFT: "Tolerated"; PolyPhen-2: "Possibly Damaging"; Align-GVGD: "Class C0"). In summary, the available evidence is currently insufficient to determine the role of this variant in disease. Therefore, it has been classified as a Variant of Uncertain Significance.

Revvity Omics, Revvity
Classification: Uncertain significance. Last evaluated: 2022-01-17. Review status: criteria provided, single submitter. Criteria: ACMG Guidelines, 2015. Collection method: clinical testing. Allele origin: germline.

Athena Diagnostics
Classification: Uncertain significance. Last evaluated: 2020-12-08. Review status: criteria provided, single submitter. Criteria: Athena Diagnostics criteria. Collection method: clinical testing. Allele origin: unknown.

ARUP Laboratories, Molecular Genetics and Genomics, ARUP Laboratories
Classification: Uncertain significance. Last evaluated: 2019-11-08. Review status: criteria provided, single submitter. Criteria: ARUP Molecular Germline Variant Investigation Process. Collection method: clinical testing. Allele origin: germline.
Comment: The HSPG2 c.2633G>A; p.Arg878His variant (rs149479865), to our knowledge, is not reported in the medical literature or gene-specific databases. This variant is found in the non-Finnish European population with an overall allele frequency of 0.04% (55/128362 alleles) in the Genome Aggregation Database. The arginine at codon 878 is weakly conserved, but computational analyses (SIFT, PolyPhen-2) predict that this variant is deleterious. However, due to limited information, the clinical significance of the p.Arg878His variant is uncertain at this time.

Illumina Laboratory Services, Illumina
Classification: Uncertain significance for Schwartz-Jampel syndrome type 1. Last evaluated: 2018-01-12. Review status: criteria provided, single submitter. Criteria: ICSL Variant Classification Criteria 13 December 2019. Collection method: clinical testing. Allele origin: germline.

Illumina Laboratory Services, Illumina
Classification: Uncertain significance for Lethal Kniest-like syndrome. Last evaluated: 2018-01-12. Review status: criteria provided, single submitter. Criteria: ICSL Variant Classification Criteria 13 December 2019. Collection method: clinical testing. Allele origin: germline.

PreventionGenetics, part of Exact Sciences
Classification: Uncertain significance for HSPG2-related condition. Last evaluated: 2024-07-10. Review status: no assertion criteria provided. Collection method: clinical testing. Allele origin: germline. Not counted in ClinVar's aggregate classification.
Comment: The HSPG2 c.2633G>A variant is predicted to result in the amino acid substitution p.Arg878His. To our knowledge, this variant has not been reported in the literature. This variant is reported in 0.043% of alleles in individuals of European (Non-Finnish) descent in gnomAD. At this time, the clinical significance of this variant is uncertain due to the absence of conclusive functional and genetic evidence.

NM_005529.7(HSPG2):c.2633G>A (p.Arg878His)

Gene: HSPG2 (heparan sulfate proteoglycan 2; minus strand). Cytogenetic location: 1p36.12.
Variant type: single nucleotide variant.
Coding change: c.2633G>A on transcript NM_005529.7 (MANE Select); coding-DNA position 2633, G replaced by A.
Protein change: p.Arg878His; replaces arginine 878 with histidine.
Molecular consequence: missense variant.
Genome position (GRCh38, 1-based): chr1:21,878,238, C>T on the plus strand (G>A on the coding strand, the complement: HSPG2 is on the minus strand). VCF-style: chr1-21878238-C-T. GRCh37 (hg19) VCF-style: chr1-22204731-C-T.
Other names: c.2636G>A, p.Arg879His (NM_001291860.2); short protein forms R878H, R879H.
Identifiers: ClinVar variation 875716 (VCV000875716.21), dbSNP rs149479865, ClinGen allele CA672936.